The following is an entry in ClinVar:

ClinVar aggregate classification (germline): Likely benign. Review status: criteria provided, multiple submitters, no conflicts (2 of 4 stars). 4 submissions from 4 submitters: Likely benign (3). 1 of the submissions does not count toward it. Last evaluated 2025-06-17.

Conditions:
Muscular dystrophy-dystroglycanopathy (congenital with brain and eye anomalies), type a, 8 (MDDGA8). Also called: WALKER-WARBURG SYNDROME OR MUSCLE-EYE-BRAIN DISEASE, GTDC2-RELATED. Identifiers: Orphanet 899, MedGen C3553813, MONDO:0013904, OMIM 614830.
POMGNT2-related disorder. Also called: POMGNT2-related condition.

Allele frequency attached by ClinVar (database versions not stated): gnomAD 0.00008 and 0.00003; gnomAD exomes 0.00010 and 0.00021; TOPMed 0.00011; ExAC 0.00026; 1000 Genomes Project 30x 0.00078; 1000 Genomes Project 0.00100.
gnomAD v4.1: 165 of 1,609,420 alleles (0.01%); highest among the groups gnomAD compares: East Asian, 0.16%; 3 homozygotes.

Submissions (4):

Labcorp Genetics (formerly Invitae), Labcorp
Classification: Likely benign for Muscular dystrophy-dystroglycanopathy (congenital with brain and eye anomalies), type a, 8. Last evaluated: 2025-06-17. Review status: criteria provided, single submitter. Criteria: Invitae Variant Classification Sherloc (09022015). Collection method: clinical testing. Allele origin: germline.

Blueprint Genetics
Classification: Likely benign. Last evaluated: 2023-04-25. Review status: criteria provided, single submitter. Criteria: ACMG Guidelines, 2015. Collection method: clinical testing. Allele origin: germline.

CeGaT Center for Human Genetics Tuebingen
Classification: Likely benign. Last evaluated: 2023-04-01. Review status: criteria provided, single submitter. Criteria: CeGaT Center For Human Genetics Tuebingen Variant Classification Criteria Version 2. Collection method: clinical testing. Allele origin: germline. Affected: yes. Observed: 1 variant allele.
Comment: POMGNT2: BP4, BP7

PreventionGenetics, part of Exact Sciences
Classification: Likely benign for POMGNT2-related condition. Last evaluated: 2022-03-08. Review status: no assertion criteria provided. Collection method: clinical testing. Allele origin: germline. Not counted in ClinVar's aggregate classification.
Comment: This variant is classified as likely benign based on ACMG/AMP sequence variant interpretation guidelines (Richards et al. 2015 PMID: 25741868, with internal and published modifications).

NM_032806.6(POMGNT2):c.81G>A (p.Glu27=)

Gene: POMGNT2 (protein O-linked mannose N-acetylglucosaminyltransferase 2 (beta 1,4-); minus strand). Cytogenetic location: 3p22.1.
Variant type: single nucleotide variant.
Coding change: c.81G>A on transcript NM_032806.6 (MANE Select); coding-DNA position 81, G replaced by A.
Protein change: p.Glu27=; no amino-acid change (glutamic acid 27 retained).
Molecular consequence: synonymous variant.
Genome position (GRCh38, 1-based): chr3:43,081,351, C>T on the plus strand (G>A on the coding strand, the complement: POMGNT2 is on the minus strand). VCF-style: chr3-43081351-C-T. GRCh37 (hg19) VCF-style: chr3-43122843-C-T.
Identifiers: ClinVar variation 473285 (VCV000473285.39), dbSNP rs201572917, ClinGen allele CA2340158.